The following is an entry in ClinVar:

ClinVar aggregate classification (germline): Benign/Likely benign. Review status: criteria provided, multiple submitters, no conflicts (2 of 4 stars). 6 submissions from 6 submitters: Benign (4); Likely benign (2). Last evaluated 2026-02-02.

Conditions:
Primary ciliary dyskinesia. Also called: Ciliary dyskinesia. Identifiers: Orphanet 244, MedGen C0008780, MONDO:0016575, HP:0012265.

Allele frequency attached by ClinVar (database versions not stated): gnomAD exomes 0.02168; ExAC 0.02315; ESP Exome Variant Server 0.02973; gnomAD 0.03096 and 0.03145; TOPMed 0.03326; 1000 Genomes Project 0.03554; 1000 Genomes Project 30x 0.03732.
gnomAD v4.1: 29,192 of 1,596,596 alleles (1.8%); highest among the groups gnomAD compares: African/African-American, 6.5%; 457 homozygotes.

Submissions (6):

Labcorp Genetics (formerly Invitae), Labcorp
Classification: Benign for Primary ciliary dyskinesia. Last evaluated: 2026-02-02. Review status: criteria provided, single submitter. Criteria: Invitae Variant Classification Sherloc (09022015). Collection method: clinical testing. Allele origin: germline.

Blueprint Genetics
Classification: Likely benign. Last evaluated: 2024-11-25. Review status: criteria provided, single submitter. Criteria: ACMG Guidelines, 2015. Collection method: clinical testing. Allele origin: germline.

GeneDx
Classification: Benign. Last evaluated: 2019-02-24. Review status: criteria provided, single submitter. Criteria: GeneDx Variant Classification Process June 2021. Collection method: clinical testing. Allele origin: germline. Affected: yes.

Laboratory for Molecular Medicine, Mass General Brigham Personalized Medicine
Classification: Benign. Last evaluated: 2013-02-21. Review status: criteria provided, single submitter. Criteria: LMM Criteria. Collection method: clinical testing. Allele origin: germline. Observed: 6 variant alleles.
Comment: 12508-12T>C in intron 76 of DNAH11: This variant is not expected to have clinica l significance because it has been identified in 5.7% (220/3868) of African Amer ican chromosomes from a broad population by the NHLBI Exome Sequencing Project (dbSNP rs72658822).

Breakthrough Genomics
Classification: Likely benign. Review status: criteria provided, single submitter. Criteria: ACMG Guidelines, 2015. Collection method: not provided. Allele origin: germline. Inheritance: Autosomal recessive inheritance. Affected: yes.

PreventionGenetics, part of Exact Sciences
Classification: Benign. Review status: criteria provided, single submitter. Criteria: ACMG Guidelines, 2015. Collection method: clinical testing. Allele origin: germline.

NM_001277115.2(DNAH11):c.12508-12T>C

Gene: DNAH11 (dynein axonemal heavy chain 11; plus strand). Cytogenetic location: 7p15.3.
Variant type: single nucleotide variant.
Coding change: c.12508-12T>C on transcript NM_001277115.2 (MANE Select); 12 bases into the intron before coding-DNA position 12508, T replaced by C.
Molecular consequence: intron variant.
Genome position (GRCh38, 1-based): chr7:21,892,413, T>C. VCF-style: chr7-21892413-T-C. GRCh37 (hg19) VCF-style: chr7-21932031-T-C.
Identifiers: ClinVar variation 178736 (VCV000178736.21), dbSNP rs72658822, ClinGen allele CA182910.